The following is an entry in ClinVar:

NM_014249.4(NR2E3):c.309C>A (p.Cys103Ter)

Gene: NR2E3 (nuclear receptor subfamily 2 group E member 3; plus strand). Cytogenetic location: 15q23.
Variant type: single nucleotide variant.
Coding change: c.309C>A on transcript NM_014249.4 (MANE Select); coding-DNA position 309, C replaced by A.
Protein change: p.Cys103Ter; replaces cysteine 103 with a stop codon.
Molecular consequence: nonsense.
Genome position (GRCh38, 1-based): chr15:71,811,829, C>A. VCF-style: chr15-71811829-C-A. GRCh37 (hg19) VCF-style: chr15-72104169-C-A.
Other names: c.309C>A, p.Cys103Ter (NM_016346.4); c.309C>A (NM_014249.2); short protein forms C103*.
Identifiers: ClinVar variation 867206 (VCV000867206.53), dbSNP rs955766374, ClinGen allele CA272575001.
Genomic context (GRCh38, chr15:71,811,829, plus strand): 5'-CCAGGTGGGGGCAGGGATGTGCCCCGTGGACAAGGCCCACCGCAACCAGTGCCAGGCCTG[C>A]CGGCTGAAGAAGTGCCTGCAGGCGGGGATGAACCAGGACGGTGAGGCGGGGGCTGGCCCG-3'

ClinVar aggregate classification (germline): Pathogenic/Likely pathogenic. Review status: criteria provided, multiple submitters, no conflicts (2 of 4 stars). 10 submissions from 10 submitters: Pathogenic (9); Likely pathogenic (1). Last evaluated 2025-11-03.

Conditions:
Enhanced S-cone syndrome (ESCS). Identifiers: Orphanet 53540, MedGen C1849394, MONDO:0100288, MONDO:0009989.
Retinitis pigmentosa 37 (RP37). Identifiers: Orphanet 791, MedGen C1970163, MONDO:0012625, OMIM 611131.
Retinal dystrophy. Also called: Inherited retinal dystrophy. Identifiers: Orphanet 71862, MedGen C0854723, MeSH D058499, MONDO:0019118, HP:0000556.
NR2E3-related disorder. Also called: NR2E3-related condition; NR2E3-related disorders. Identifiers: MedGen CN239387.

Allele frequency attached by ClinVar (database versions not stated): gnomAD 0.00001 and 0.00002; gnomAD exomes 0.00001; TOPMed 0.00003.
gnomAD v4.1: 29 of 1,551,262 alleles (0.0019%); highest among the groups gnomAD compares: Non-Finnish European, 0.0024%; no homozygotes.

Submissions (10):

Natera, Inc.
Classification: Pathogenic for Enhanced S cone syndrome. Last evaluated: 2025-11-03. Review status: criteria provided, single submitter. Criteria: Natera Variant Classification Schema (03/2026). Collection method: clinical testing. Allele origin: germline.
Comment: The c.309C>A variant in NR2E3 is a nonsense variant predicted to introduce a stop codon at amino acid 103. This variant is expected to result in nonsense mediated decay, truncation, or a dysfunctional protein product. This variant is rare in the general population with a frequency below the threshold expected for the associated phenotype(s). This variant has been observed in one or more individuals affected with the associated recessive disease, as either homozygous or compound heterozygous with a second variant (PMID: 30543658, 30902645). Given the available evidence, this variant is classified as Pathogenic.

Labcorp Genetics (formerly Invitae), Labcorp
Classification: Pathogenic. Last evaluated: 2025-09-23. Review status: criteria provided, single submitter. Criteria: Invitae Variant Classification Sherloc (09022015). Collection method: clinical testing. Allele origin: germline.
Comment: This sequence change creates a premature translational stop signal (p.Cys103*) in the NR2E3 gene. It is expected to result in an absent or disrupted protein product. Loss-of-function variants in NR2E3 are known to be pathogenic (PMID: 15459973, 27522502). The frequency data for this variant in the population databases is considered unreliable, as metrics indicate poor data quality at this position in the gnomAD database. This premature translational stop signal has been observed in individual(s) with autosomal recessive retinitis pigmentosa (PMID: 30543658). ClinVar contains an entry for this variant (Variation ID: 867206). For these reasons, this variant has been classified as Pathogenic.

Institute of Medical Genetics and Applied Genomics, University Hospital Tübingen
Classification: Pathogenic for Retinitis pigmentosa 37. Last evaluated: 2025-02-10. Review status: criteria provided, single submitter. Criteria: ACMG Guidelines, 2015. Collection method: clinical testing. Allele origin: germline. Inheritance: Autosomal recessive inheritance. Affected: yes.

Fulgent Genetics
Classification: Pathogenic for ENHANCED S-CONE SYNDROME 1; Retinitis pigmentosa 37. Last evaluated: 2024-06-15. Review status: criteria provided, single submitter. Criteria: ACMG Guidelines, 2015. Collection method: clinical testing. Allele origin: germline.

Baylor Genetics
Classification: Pathogenic for ENHANCED S-CONE SYNDROME 1. Last evaluated: 2024-01-29. Review status: criteria provided, single submitter. Criteria: ACMG Guidelines, 2015. Collection method: clinical testing. Allele origin: unknown.

Revvity Omics, Revvity
Classification: Likely pathogenic. Last evaluated: 2021-11-16. Review status: criteria provided, single submitter. Criteria: ACMG Guidelines, 2015. Collection method: clinical testing. Allele origin: germline.

Blueprint Genetics
Classification: Pathogenic for NR2E3-related disorders. Last evaluated: 2021-08-27. Review status: criteria provided, single submitter. Criteria: ACMG Guidelines, 2015. Collection method: clinical testing. Allele origin: germline. Affected: yes. Observed: 5 variant alleles.

CeGaT Center for Human Genetics Tuebingen
Classification: Pathogenic. Last evaluated: 2021-08-01. Review status: criteria provided, single submitter. Criteria: CeGaT Center For Human Genetics Tuebingen Variant Classification Criteria Version 2. Collection method: clinical testing. Allele origin: germline. Affected: yes. Observed: 1 variant allele.

DBGen Ocular Genomics
Classification: Pathogenic for Retinitis pigmentosa 37. Last evaluated: 2021-06-18. Review status: criteria provided, single submitter. Criteria: ACMG Guidelines, 2015. Collection method: clinical testing. Allele origin: germline. Affected: yes. Observed: 1 variant allele.

Institute of Human Genetics, Univ. Regensburg, Univ. Regensburg
Classification: Pathogenic for Retinal dystrophy. Last evaluated: 2021-01-01. Review status: criteria provided, single submitter. Criteria: ACMG Guidelines, 2015. Collection method: clinical testing. Allele origin: germline. Affected: yes.

Literature cited by the submitters: PubMed 30543658 (cited by 3 submitters); PubMed 30902645 (cited by Natera, Inc.); PubMed 15459973 (cited by Labcorp Genetics (formerly Invitae), Labcorp); PubMed 27522502 (cited by Labcorp Genetics (formerly Invitae), Labcorp).